The following is an entry in ClinVar:

NM_007294.4(BRCA1):c.4667A>G (p.Gln1556Arg)

Gene: BRCA1 (BRCA1 DNA repair associated; minus strand). Cytogenetic location: 17q21.31.
Variant type: single nucleotide variant.
Coding change: c.4667A>G on transcript NM_007294.4 (MANE Select); coding-DNA position 4667, A replaced by G.
Protein change: p.Gln1556Arg; replaces glutamine 1556 with arginine.
Molecular consequence: missense variant. On other transcripts: non-coding transcript variant (1).
Genome position (GRCh38, 1-based): chr17:43,074,339, T>C on the plus strand (A>G on the coding strand, the complement: BRCA1 is on the minus strand). VCF-style: chr17-43074339-T-C. GRCh37 (hg19) VCF-style: chr17-41226356-T-C.
Other names: c.1145A>G, p.Gln382Arg (NM_001408481.1, NM_001408484.1, NM_001408489.1 and 5 more transcripts); c.1352A>G, p.Gln451Arg (NM_001408396.1, NM_001408397.1, NM_001408398.1 and 8 more transcripts); c.4526A>G, p.Gln1509Arg (NM_001407694.1, NM_001407692.1, NM_007297.4 and 13 more transcripts); c.4538A>G, p.Gln1513Arg (NM_001407689.1, NM_001407688.1, NM_001407681.1 and 6 more transcripts); c.4535A>G, p.Gln1512Arg (NM_001407691.1, NM_001407690.1); c.1214A>G, p.Gln405Arg (NM_001408459.1, NM_001408460.1, NM_001408461.1 and 7 more transcripts); c.1211A>G, p.Gln404Arg (NM_001408468.1, NM_001408469.1, NM_001408470.1); c.1355A>G, p.Gln452Arg (NM_001408472.1, NM_007298.4, NM_007299.4 and 13 more transcripts); and 68 more; short protein forms Q1556R, Q1509R, Q1577R, Q452R, Q1428R, Q1429R, Q1485R, Q1487R.
Identifiers: ClinVar variation 441427 (VCV000441427.9), dbSNP rs1555581811, ClinGen allele CA10592177.
Genomic context (GRCh38, chr17:43,074,339, plus strand): 5'-GATTCAGAGTAAAATCAAAGTGTTTGTTCCAATACAGCAGATGAAATATTACCTAGATCT[T>C]GCCTTGGCAAGTAAGATGTTTCCGTCAAATCGTGTGGCCCAGACTCTTCCAGCTGTTGCT-3'
Protein context (NP_009225.1, residues 1546-1566): DLTETSYLPR[Gln1556Arg]DLEGTPYLES

ClinVar aggregate classification (germline): Uncertain significance. Review status: criteria provided, multiple submitters, no conflicts (2 of 4 stars). 2 submissions from 2 submitters: Uncertain significance (2). Last evaluated 2025-03-20.

Conditions:
Hereditary breast ovarian cancer syndrome. Also called: Hereditary breast and ovarian cancer; Breast and ovarian cancer; Hereditary breast and ovarian cancer syndrome; Hereditary breast and/or ovarian cancer syndrome; BRCA1- and BRCA2-Associated Hereditary Breast and Ovarian Cancer; Hereditary breast and ovarian cancer syndrome (HBOC). Identifiers: Orphanet 145, MedGen C0677776, MeSH D061325, MONDO:0003582. Disease mechanism: loss of function.
Hereditary cancer-predisposing syndrome. Also called: Hereditary Cancer Syndrome; Hereditary neoplastic syndrome; Neoplastic Syndromes, Hereditary; Tumor predisposition. Identifiers: Orphanet 140162, MedGen C0027672, MeSH D009386, MONDO:0015356.

Submissions (2):

Ambry Genetics
Classification: Uncertain significance for Hereditary cancer-predisposing syndrome. Last evaluated: 2025-03-20. Review status: criteria provided, single submitter. Criteria: Ambry Variant Classification Scheme 2023. Collection method: clinical testing. Allele origin: germline.
Comment: The p.Q1556R variant (also known as c.4667A>G), located in coding exon 13 of the BRCA1 gene, results from an A to G substitution at nucleotide position 4667. The glutamine at codon 1556 is replaced by arginine, an amino acid with highly similar properties. This amino acid position is not well conserved in available vertebrate species. In addition, the in silico prediction for this alteration is inconclusive. Since supporting evidence is limited at this time, the clinical significance of this alteration remains unclear.

Labcorp Genetics (formerly Invitae), Labcorp
Classification: Uncertain significance for Hereditary breast ovarian cancer syndrome. Last evaluated: 2024-12-12. Review status: criteria provided, single submitter. Criteria: Invitae Variant Classification Sherloc (09022015). Collection method: clinical testing. Allele origin: germline.
Comment: This sequence change replaces glutamine, which is neutral and polar, with arginine, which is basic and polar, at codon 1556 of the BRCA1 protein (p.Gln1556Arg). This variant is not present in population databases (gnomAD no frequency). This variant has not been reported in the literature in individuals affected with BRCA1-related conditions. ClinVar contains an entry for this variant (Variation ID: 441427). Invitae Evidence Modeling of protein sequence and biophysical properties (such as structural, functional, and spatial information, amino acid conservation, physicochemical variation, residue mobility, and thermodynamic stability) indicates that this missense variant is not expected to disrupt BRCA1 protein function with a negative predictive value of 95%. In summary, the available evidence is currently insufficient to determine the role of this variant in disease. Therefore, it has been classified as a Variant of Uncertain Significance.